The following is an entry in ClinVar:

ClinVar aggregate classification (germline): Uncertain significance. Review status: criteria provided, multiple submitters, no conflicts (2 of 4 stars). 2 submissions from 2 submitters: Uncertain significance (2). Last evaluated 2023-03-14.

Conditions:
ANK2-related disorder. Also called: ANK2-related condition.

Allele frequency attached by ClinVar (database versions not stated): gnomAD exomes below 0.00001; gnomAD 0.00001.

Submissions (2):

PreventionGenetics, part of Exact Sciences
Classification: Uncertain significance for ANK2-related condition. Last evaluated: 2023-03-14. Review status: criteria provided, single submitter. Criteria: ACMG Guidelines, 2015. Collection method: clinical testing. Allele origin: germline.
Comment: The ANK2 c.121G>A variant is predicted to result in the amino acid substitution p.Ala41Thr. To our knowledge, this variant has not been reported in the literature or in a large population database, indicating this variant is rare. At this time, the clinical significance of this variant is uncertain due to the absence of conclusive functional and genetic evidence.

GeneDx
Classification: Uncertain significance. Last evaluated: 2017-04-17. Review status: criteria provided, single submitter. Criteria: GeneDx Variant Classification (06012015). Collection method: clinical testing. Allele origin: germline. Affected: yes.
Comment: The A41T variant in the ANK2 gene has not been reported previously as a pathogenic variant, nor as a benign variant, to our knowledge. The A41T variant is not observed in large population cohorts (Lek et al., 2016; 1000 Genomes Consortium et al., 2015; Exome Variant Server). The A41T variant is a non-conservative amino acid substitution, which is likely to impact secondary protein structure as these residues differ in polarity, charge, size and/or other properties. This substitution occurs at a position that is conserved across species, and in silico analysis predicts this variant is probably damaging to the protein structure/function. We interpret A41T as a variant of uncertain significance, which may be related to the atrial ectopic tachycardia reported in this individual.

NM_001148.6(ANK2):c.121G>A (p.Ala41Thr)

Gene: ANK2 (ankyrin 2; plus strand). Cytogenetic location: 4q25.
Variant type: single nucleotide variant.
Coding change: c.121G>A on transcript NM_001148.6 (MANE Select); coding-DNA position 121, G replaced by A.
Protein change: p.Ala41Thr; replaces alanine 41 with threonine.
Molecular consequence: missense variant.
Genome position (GRCh38, 1-based): chr4:113,174,452, G>A. VCF-style: chr4-113174452-G-A. GRCh37 (hg19) VCF-style: chr4-114095608-G-A.
Other names: c.58G>A, p.Ala20Thr (NM_001127493.3, NM_001354239.2, NM_001354243.2 and 33 more transcripts); c.121G>A, p.Ala41Thr (NM_001354225.2, NM_001354228.2, NM_001354232.2 and 9 more transcripts); c.166G>A, p.Ala56Thr (NM_001354230.2, NM_001354231.2, NM_001354237.2 and 5 more transcripts); c.103G>A, p.Ala35Thr (NM_001354261.2, NM_001386147.1, NM_001386160.1); c.109G>A, p.Ala37Thr (NM_001354269.3, NM_001386148.2, NM_001386186.2 and 1 more transcripts); c.172G>A, p.Ala58Thr (NM_001386174.1, NM_001386175.1); short protein forms A20T, A41T, A56T, A35T, A37T, A58T.
Identifiers: ClinVar variation 426438 (VCV000426438.3), dbSNP rs1085307623, ClinGen allele CA357992917.